The following is an entry in ClinVar:

NM_000492.3(CFTR):c.[1075C>A;1079C>A]

Variant type: Haplotype.
Identifiers: ClinVar variation 40200 (VCV000040200.3).

ClinVar aggregate classification (germline): Pathogenic. Review status: reviewed by expert panel (3 of 4 stars). 3 submissions from 3 submitters: Pathogenic (1). 2 of the submissions do not count toward it. Last evaluated 2018-08-31.

Conditions:
Cystic fibrosis (CF). Also called: MUCOVISCIDOSIS. Identifiers: Orphanet 586, MedGen C0010674, MONDO:0009061, OMIM 219700. Disease mechanism: loss of function.

Submissions (3):

CFTR2
Classification: Pathogenic for Cystic fibrosis. Last evaluated: 2018-08-31. Review status: reviewed by expert panel. Criteria: Sosnay PR et al. (Nat Genet 2013). Collection method: research. Allele origin: germline. Affected: yes.

Women's Health and Genetics/Laboratory Corporation of America, LabCorp
Classification: Pathogenic for Cystic fibrosis. Last evaluated: 2021-02-23. Review status: criteria provided, single submitter. Criteria: LabCorp Variant Classification Summary - May 2015. Collection method: clinical testing. Allele origin: germline. Not counted in ClinVar's aggregate classification.
Comment: Variant summary: CFTR c.[1075C>A;1079C>A] (p.[Gln359Lys;Thr360Lys]) variant is a complex allele and involves the alteration of multiple nucleotides. The variant allele was found at a frequency of 2.2e-05 in 277156 control chromosomes, absent in approximately 276736 alleles in the gnomAD database and reported at a frequency of 0.017 in alleles of Jewish Georgian origin (Shoshani_1993). c.[1075C>A;1079C>A] has been reported in the literature in multiple individuals affected with Cystic Fibrosis (example, Shoshani_1993, Wilschanski_1999, Bobadilla_2002, Sugarman_2004, Heim_2004, Chevalier-Porst_1994, Heim_2001, Petreska_1998, Schrijver_2005, Sosnay_2013, Quint_2005, Salinas_2016, Behar_2017, Petrova_2020). It has been observed as part of a multinucleotide variation, that is variably annotated either as Q359K/T360K, p.[Gln359Lys;Thr360Lys], c.[1075C>A;1079C>A], or c.1075_1079delCAAACinsAAAAA or p.Gln359_Thr360delinsLysLys. These data indicate that the variant is very likely to be associated with disease. At least one publication reports experimental evidence evaluating an impact on protein function. The most pronounced variant effect results in intermediate disruption in processing (Sosnay_2013). One expert panel (CFTR2) has submitted clinical-significance assessments for this variant to ClinVar after 2014 and classified the variant as pathogenic. Based on the evidence outlined above, the variant was classified as pathogenic.

OMIM
Classification: Pathogenic for CYSTIC FIBROSIS. Last evaluated: 1993-01-01. Review status: no assertion criteria provided. Collection method: literature only. Allele origin: germline. Not counted in ClinVar's aggregate classification.

Literature cited by the submitters: PubMed 9917439 (cited by Women's Health and Genetics/Laboratory Corporation of America, LabCorp); PubMed 15371903 (cited by Women's Health and Genetics/Laboratory Corporation of America, LabCorp); PubMed 7539210 (cited by Women's Health and Genetics/Laboratory Corporation of America, LabCorp); PubMed 7525963 (cited by Women's Health and Genetics/Laboratory Corporation of America, LabCorp); PubMed 16049310 (cited by Women's Health and Genetics/Laboratory Corporation of America, LabCorp); PubMed 12151438 (cited by Women's Health and Genetics/Laboratory Corporation of America, LabCorp); PubMed 12007216 (cited by Women's Health and Genetics/Laboratory Corporation of America, LabCorp); PubMed 15948195 (cited by Women's Health and Genetics/Laboratory Corporation of America, LabCorp); PubMed 9788722 (cited by Women's Health and Genetics/Laboratory Corporation of America, LabCorp); PubMed 18456578 (cited by Women's Health and Genetics/Laboratory Corporation of America, LabCorp); PubMed 11388756 (cited by Women's Health and Genetics/Laboratory Corporation of America, LabCorp); PubMed 23974870 (cited by Women's Health and Genetics/Laboratory Corporation of America, LabCorp); PubMed 7679367 (cited by Women's Health and Genetics/Laboratory Corporation of America, LabCorp and OMIM); PubMed 27214204 (cited by Women's Health and Genetics/Laboratory Corporation of America, LabCorp); PubMed 28546993 (cited by Women's Health and Genetics/Laboratory Corporation of America, LabCorp); PubMed 32429104 (cited by Women's Health and Genetics/Laboratory Corporation of America, LabCorp).